The following is an entry in ClinVar:

NM_017950.4(CCDC40):c.2832+462A>C

Gene: CCDC40 (coiled-coil domain 40 molecular ruler complex subunit; plus strand). Cytogenetic location: 17q25.3.
Variant type: single nucleotide variant.
Coding change: c.2832+462A>C on transcript NM_017950.4 (MANE Select); 462 bases into the intron after coding-DNA position 2832, A replaced by C.
Molecular consequence: intron variant. On other transcripts: synonymous variant (1).
Genome position (GRCh38, 1-based): chr17:80,090,346, A>C. VCF-style: chr17-80090346-A-C. GRCh37 (hg19) VCF-style: chr17-78064145-A-C.
Other names: c.3040A>C, p.Arg1014= (NM_001243342.2).
Identifiers: ClinVar variation 2648394 (VCV002648394.25), dbSNP rs74672482, ClinGen allele CA294870894.
Genomic context (GRCh38, chr17:80,090,346, plus strand): 5'-GGGACGCGCGCAGGCACGTGCACGAACAACACGGGACGCGCGCAGGCACGTGCACGAACA[A>C]GGGACGCGCGCAGGCACGTGCACGAACACAGGACACACACAGCACGTGCATGAACAACAC-3'

ClinVar aggregate classification (germline): Likely benign. Review status: criteria provided, multiple submitters, no conflicts (2 of 4 stars). 2 submissions from 2 submitters: Likely benign (2). Last evaluated 2024-11-22.

Submissions (2):

Blueprint Genetics
Classification: Likely benign. Last evaluated: 2024-11-22. Review status: criteria provided, single submitter. Criteria: ACMG Guidelines, 2015. Collection method: clinical testing. Allele origin: germline.

CeGaT Center for Human Genetics Tuebingen
Classification: Likely benign. Last evaluated: 2023-09-01. Review status: criteria provided, single submitter. Criteria: CeGaT Center For Human Genetics Tuebingen Variant Classification Criteria Version 2. Collection method: clinical testing. Allele origin: germline. Affected: yes. Observed: 1 variant allele.
Comment: CCDC40: BP4, BS2